The following is an entry in ClinVar:

NM_000719.7(CACNA1C):c.3948C>T (p.Asn1316=)

Gene: CACNA1C (calcium voltage-gated channel subunit alpha1 C; plus strand). Cytogenetic location: 12p13.33.
Variant type: single nucleotide variant.
Coding change: c.3948C>T on transcript NM_000719.7 (MANE Select); coding-DNA position 3948, C replaced by T.
Protein change: p.Asn1316=; no amino-acid change (asparagine 1316 retained).
Molecular consequence: synonymous variant.
Genome position (GRCh38, 1-based): chr12:2,651,642, C>T. VCF-style: chr12-2651642-C-T. GRCh37 (hg19) VCF-style: chr12-2760808-C-T.
Other names: c.4092C>T, p.Asn1364= (NM_001129827.2, NM_199460.4); c.4014C>T, p.Asn1338= (NM_001129829.2); c.3948C>T, p.Asn1316= (NM_001129830.3, NM_001129833.2, NM_001129834.2 and 7 more transcripts); c.4032C>T, p.Asn1344= (NM_001129831.2); c.4008C>T, p.Asn1336= (NM_001129832.2); c.3999C>T, p.Asn1333= (NM_001129836.2); c.3915C>T, p.Asn1305= (NM_001129837.2, NM_001129838.2, NM_001129846.2 and 1 more transcripts); c.3909C>T, p.Asn1303= (NM_001129839.2); and 2 more.
Identifiers: ClinVar variation 308150 (VCV000308150.22), dbSNP rs150092451, ClinGen allele CA6389432.

ClinVar aggregate classification (germline): Benign/Likely benign. Review status: criteria provided, multiple submitters, no conflicts (2 of 4 stars). 6 submissions from 6 submitters: Benign (2); Likely benign (4). Last evaluated 2026-03-01.

Conditions:
Long QT syndrome (LQTS). Identifiers: MedGen C0023976, MeSH D008133, MONDO:0002442. Disease mechanism: loss of function. Inheritance: Various modes of inheritance.
Cardiovascular phenotype. Identifiers: MedGen CN230736.

Allele frequency attached by ClinVar (database versions not stated): gnomAD 0.00003 and 0.00023; ESP Exome Variant Server 0.00008; TOPMed 0.00008; gnomAD exomes 0.00040 and 0.00078; ExAC 0.00088; 1000 Genomes Project 30x 0.00094; 1000 Genomes Project 0.00120.
gnomAD v4.1: 610 of 1,613,902 alleles (0.038%); highest among the groups gnomAD compares: South Asian, 0.62%; 8 homozygotes.

Submissions (6):

CeGaT Center for Human Genetics Tuebingen
Classification: Likely benign. Last evaluated: 2026-03-01. Review status: criteria provided, single submitter. Criteria: CeGaT Center For Human Genetics Tuebingen Variant Classification Criteria Version 2. Collection method: clinical testing. Allele origin: germline. Affected: yes. Observed: 1 variant allele.
Comment: CACNA1C: BP4, BP7, BS1

Labcorp Genetics (formerly Invitae), Labcorp
Classification: Benign for Long QT syndrome. Last evaluated: 2026-02-01. Review status: criteria provided, single submitter. Criteria: Invitae Variant Classification Sherloc (09022015). Collection method: clinical testing. Allele origin: germline.

Molecular Diagnostic Laboratory for Inherited Cardiovascular Disease, Montreal Heart Institute
Classification: Likely benign. Last evaluated: 2025-07-24. Review status: criteria provided, single submitter. Criteria: ACMG Guidelines, 2015. Collection method: clinical testing. Allele origin: germline. Affected: no.
Comment: BS1;BP7

Blueprint Genetics
Classification: Likely benign. Last evaluated: 2024-10-25. Review status: criteria provided, single submitter. Criteria: ACMG Guidelines, 2015. Collection method: clinical testing. Allele origin: germline.

Ambry Genetics
Classification: Likely benign for Cardiovascular phenotype. Last evaluated: 2017-02-10. Review status: criteria provided, single submitter. Criteria: Ambry Variant Classification Scheme 2023. Collection method: clinical testing. Allele origin: germline.

GeneDx
Classification: Benign. Last evaluated: 2015-03-18. Review status: criteria provided, single submitter. Criteria: GeneDx Variant Classification (06012015). Collection method: clinical testing. Allele origin: germline. Affected: yes.
Comment: This variant is considered likely benign or benign based on one or more of the following criteria: it is a conservative change, it occurs at a poorly conserved position in the protein, it is predicted to be benign by multiple in silico algorithms, and/or has population frequency not consistent with disease.